The following is an entry in ClinVar:

ClinVar aggregate classification (germline): Uncertain significance (1 of 4 stars; one submission).

Submission:

CeGaT Center for Human Genetics Tuebingen
Classification: Uncertain significance. Last evaluated: 2025-08-01. Review status: criteria provided, single submitter. Criteria: CeGaT Center For Human Genetics Tuebingen Variant Classification Criteria Version 2. Collection method: clinical testing. Allele origin: germline. Affected: yes. Observed: 2 variant alleles.
Comment: TTN: PM2, PP3

NM_001267550.2(TTN):c.51349T>A (p.Tyr17117Asn)

Genes: TTN (titin; minus strand), TTN-AS1 (TTN antisense RNA 1; plus strand). Cytogenetic location: 2q31.2.
Variant type: single nucleotide variant.
Coding change: c.51349T>A on transcript NM_001267550.2 (MANE Select); coding-DNA position 51349, T replaced by A.
Protein change: p.Tyr17117Asn; replaces tyrosine 17117 with asparagine.
Molecular consequence: missense variant.
Genome position (GRCh38, 1-based): chr2:178,610,177, A>T on the plus strand (T>A on the coding strand, the complement: TTN is on the minus strand). VCF-style: chr2-178610177-A-T. GRCh37 (hg19) VCF-style: chr2-179474904-A-T.
Other names: c.46426T>A, p.Tyr15476Asn (NM_001256850.1); c.24154T>A, p.Tyr8052Asn (NM_003319.4); c.43645T>A, p.Tyr14549Asn (NM_133378.4); c.24529T>A, p.Tyr8177Asn (NM_133432.3); c.24730T>A, p.Tyr8244Asn (NM_133437.4); short protein forms Y14549N, Y15476N, Y17117N, Y8052N, Y8177N, Y8244N.
Identifiers: ClinVar variation 2651633 (VCV002651633.24), dbSNP rs2055976250, ClinGen allele CA349586587.